The following is an entry in ClinVar:

NM_001029883.3(PCARE):c.553C>G (p.Gln185Glu)

Gene: PCARE (photoreceptor cilium actin regulator; minus strand). Cytogenetic location: 2p23.2.
Variant type: single nucleotide variant.
Coding change: c.553C>G on transcript NM_001029883.3 (MANE Select); coding-DNA position 553, C replaced by G.
Protein change: p.Gln185Glu; replaces glutamine 185 with glutamic acid.
Molecular consequence: missense variant.
Genome position (GRCh38, 1-based): chr2:29,073,709, G>C on the plus strand (C>G on the coding strand, the complement: PCARE is on the minus strand). VCF-style: chr2-29073709-G-C. GRCh37 (hg19) VCF-style: chr2-29296575-G-C.
Other names: short protein forms Q185E.
Identifiers: ClinVar variation 1371311 (VCV001371311.9), dbSNP rs771358203, ClinGen allele CA1592633.

ClinVar aggregate classification (germline): Uncertain significance. Review status: criteria provided, multiple submitters, no conflicts (2 of 4 stars). 2 submissions from 2 submitters: Uncertain significance (2). Last evaluated 2024-02-26.

Allele frequency attached by ClinVar (database versions not stated): gnomAD 0.00001; ExAC 0.00002; gnomAD exomes 0.00002.
gnomAD v4.1: 23 of 1,613,604 alleles (0.0014%); highest among the groups gnomAD compares: South Asian, 0.025%; no homozygotes.

Submissions (2):

Labcorp Genetics (formerly Invitae), Labcorp
Classification: Uncertain significance. Last evaluated: 2024-02-26. Review status: criteria provided, single submitter. Criteria: Invitae Variant Classification Sherloc (09022015). Collection method: clinical testing. Allele origin: germline.
Comment: This sequence change replaces glutamine, which is neutral and polar, with glutamic acid, which is acidic and polar, at codon 185 of the PCARE protein (p.Gln185Glu). This variant is present in population databases (rs771358203, gnomAD 0.01%). This variant has not been reported in the literature in individuals affected with PCARE-related conditions. ClinVar contains an entry for this variant (Variation ID: 1371311). An algorithm developed to predict the effect of missense changes on protein structure and function (PolyPhen-2) suggests that this variant is likely to be disruptive. In summary, the available evidence is currently insufficient to determine the role of this variant in disease. Therefore, it has been classified as a Variant of Uncertain Significance.

Blueprint Genetics
Classification: Uncertain significance. Last evaluated: 2023-06-08. Review status: criteria provided, single submitter. Criteria: ACMG Guidelines, 2015. Collection method: clinical testing. Allele origin: germline.